The following is an entry in ClinVar:

NM_005802.5(TOPORS):c.2421C>T (p.Asn807=)

Gene: TOPORS (TOP1 binding arginine/serine rich protein, E3 ubiquitin ligase; minus strand). Cytogenetic location: 9p21.1.
Variant type: single nucleotide variant.
Coding change: c.2421C>T on transcript NM_005802.5 (MANE Select); coding-DNA position 2421, C replaced by T.
Protein change: p.Asn807=; no amino-acid change (asparagine 807 retained).
Molecular consequence: synonymous variant.
Genome position (GRCh38, 1-based): chr9:32,542,104, G>A on the plus strand (C>T on the coding strand, the complement: TOPORS is on the minus strand). VCF-style: chr9-32542104-G-A. GRCh37 (hg19) VCF-style: chr9-32542102-G-A.
Other names: c.2226C>T, p.Asn742= (NM_001195622.2); c.2421C>T (NM_005802.4).
Identifiers: ClinVar variation 1546380 (VCV001546380.10), dbSNP rs764423627, ClinGen allele CA5020374.

ClinVar aggregate classification (germline): Likely benign. Review status: criteria provided, multiple submitters, no conflicts (2 of 4 stars). 3 submissions from 3 submitters: Likely benign (3). Last evaluated 2025-11-05.

Conditions:
TOPORS-related disorder. Also called: TOPORS-related condition.

Allele frequency attached by ClinVar (database versions not stated): ExAC 0.00001; gnomAD 0.00001; gnomAD exomes 0.00002; TOPMed 0.00002.
gnomAD v4.1: 33 of 1,613,942 alleles (0.002%); highest among the groups gnomAD compares: East Asian, 0.0089%; no homozygotes.

Submissions (3):

PreventionGenetics, part of Exact Sciences
Classification: Likely benign for TOPORS-related condition. Last evaluated: 2025-11-05. Review status: criteria provided, single submitter. Criteria: ACMG Guidelines, 2015. Collection method: clinical testing. Allele origin: germline.
Comment: This variant is classified as likely benign based on ACMG/AMP sequence variant interpretation guidelines (Richards et al. 2015 PMID: 25741868, with internal and published modifications).

Labcorp Genetics (formerly Invitae), Labcorp
Classification: Likely benign. Last evaluated: 2024-11-16. Review status: criteria provided, single submitter. Criteria: Invitae Variant Classification Sherloc (09022015). Collection method: clinical testing. Allele origin: germline.

Blueprint Genetics
Classification: Likely benign. Last evaluated: 2023-12-22. Review status: criteria provided, single submitter. Criteria: ACMG Guidelines, 2015. Collection method: clinical testing. Allele origin: germline.